The following is an entry in ClinVar:

NM_001365999.1(SZT2):c.2220G>A (p.Val740=)

Gene: SZT2 (SZT2 subunit of KICSTOR complex; plus strand). Cytogenetic location: 1p34.2.
Variant type: single nucleotide variant.
Coding change: c.2220G>A on transcript NM_001365999.1 (MANE Select); coding-DNA position 2220, G replaced by A.
Protein change: p.Val740=; no amino-acid change (valine 740 retained).
Molecular consequence: synonymous variant.
Genome position (GRCh38, 1-based): chr1:43,423,281, G>A. VCF-style: chr1-43423281-G-A. GRCh37 (hg19) VCF-style: chr1-43888952-G-A.
Other names: c.2220G>A, p.Val740= (NM_015284.4).
Identifiers: ClinVar variation 846980 (VCV000846980.35), dbSNP rs576623885, ClinGen allele CA808634.

ClinVar aggregate classification (germline): Likely benign. Review status: criteria provided, multiple submitters, no conflicts (2 of 4 stars). 3 submissions from 3 submitters: Likely benign (3). Last evaluated 2025-12-10.

Conditions:
Developmental and epileptic encephalopathy, 18 (DEE18). Also called: Early infantile epileptic encephalopathy 18. Identifiers: Orphanet 369894, MedGen C3809624, MONDO:0014201, OMIM 615476.

Allele frequency attached by ClinVar (database versions not stated): gnomAD 0.00001; TOPMed 0.00002; 1000 Genomes Project 30x 0.00016; 1000 Genomes Project 0.00020.
gnomAD v4.1: 16 of 1,560,022 alleles (0.001%); highest among the groups gnomAD compares: Admixed American, 0.0018%; no homozygotes.

Submissions (3):

Labcorp Genetics (formerly Invitae), Labcorp
Classification: Likely benign. Last evaluated: 2025-12-10. Review status: criteria provided, single submitter. Criteria: Invitae Variant Classification Sherloc (09022015). Collection method: clinical testing. Allele origin: germline.

CeGaT Center for Human Genetics Tuebingen
Classification: Likely benign. Last evaluated: 2023-10-01. Review status: criteria provided, single submitter. Criteria: CeGaT Center For Human Genetics Tuebingen Variant Classification Criteria Version 2. Collection method: clinical testing. Allele origin: germline. Affected: yes. Observed: 1 variant allele.
Comment: SZT2: BP4, BP7

Genome-Nilou Lab
Classification: Likely benign for Developmental and epileptic encephalopathy, 18. Last evaluated: 2023-04-11. Review status: criteria provided, single submitter. Criteria: ACMG Guidelines, 2015. Collection method: clinical testing. Allele origin: germline. Affected: no.